The following is an entry in ClinVar:

ClinVar aggregate classification (germline): Pathogenic (1 of 4 stars; one submission).

Submission:

Clinical Genomics Laboratory, Washington University in St. Louis
Classification: Pathogenic. Last evaluated: 2026-04-20. Review status: criteria provided, single submitter. Criteria: Leon-Quintero et al. (Clin Genet. 2025). Collection method: clinical testing. Allele origin: somatic.
Comment: A GNA11 c.626A>C (p.Gln209Pro) variant was identified at an allelic fraction consistent with somatic origin. This variant has been reported in the literature in a somatic state in several individuals with vascular anomalies (Funk T et al., PMID: 27438697; Jansen P et al., PMID: 34040639; Ivars M et al., PMID: 39161100), in several individuals with uveal melanoma (Weeghel C et al., PMID: 31394807; Lange M et al., PMID: 26368812; Xu X et al., PMID: 25280020; Terai M et al., PMID: 34830903; Psinakis F et al., PMID: 28982892) and in COSMIC in various types of cancer (Genomic Mutation ID: COSV50017882). It is absent from the general population (gnomAD v4.1.1), indicating it is not a common variant. The same amino acid change (p.Gln209Pro), resulting from a different nucleotide change, c.626_627delinsCC, has been reported in an individual with congenital hemangioma and is considered pathogenic (Smith RJ et al., PMID: 32255239). This variant resides within a region, switch II (amino acids 199-220), of the GTPase domain of GNA11 that is defined as a critical functional domain (Gorvin CM et al., PMID: 28833550; Preininger et al., PMID: 22329346). Computational predictors indicate that the variant is damaging, evidence that correlates with impact to GNA11 function. Based on available information and an internally developed protocol informed by the ACMG/AMP guidelines for variant interpretation and gene-specific practices from the ClinGen Criteria Specification Registry (Leon-Quintero FZ et al., PMID: 39434542), the GNA11 c.626A>C (p.Gln209Pro) variant is classified as pathogenic.

NM_002067.5(GNA11):c.626A>C (p.Gln209Pro)

Gene: GNA11 (G protein subunit alpha 11; plus strand). Cytogenetic location: 19p13.3.
Variant type: single nucleotide variant.
Coding change: c.626A>C on transcript NM_002067.5 (MANE Select); coding-DNA position 626, A replaced by C.
Protein change: p.Gln209Pro; replaces glutamine 209 with proline.
Molecular consequence: missense variant.
Genome position (GRCh38, 1-based): chr19:3,118,944, A>C. VCF-style: chr19-3118944-A-C. GRCh37 (hg19) VCF-style: chr19-3118942-A-C.
Other names: short protein forms Q209P.
Identifiers: ClinVar variation 4974586 (VCV004974586.1), dbSNP rs1057519742.
Genomic context (GRCh38, chr19:3,118,944, plus strand): 5'-GGGCGCCAGGTGGCTGAGTCCTGGCGCTGTGTCCTTTCAGGATGGTGGATGTGGGGGGCC[A>C]GCGGTCGGAGCGGAGGAAGTGGATCCACTGCTTTGAGAACGTGACATCCATCATGTTTCT-3'
Protein context (NP_002058.2, residues 199-219): IIFRMVDVGG[Gln209Pro]RSERRKWIHC